The following is an entry in ClinVar:

ClinVar aggregate classification (germline): Uncertain significance (1 of 4 stars; one submission).

Conditions:
Cardiovascular phenotype. Identifiers: MedGen CN230736.

Allele frequency attached by ClinVar (database versions not stated): gnomAD exomes below 0.00001; TOPMed below 0.00001; ExAC 0.00001; gnomAD 0.00001; 1000 Genomes Project 30x 0.00016; 1000 Genomes Project 0.00020.
gnomAD v4.1: 8 of 1,612,908 alleles (0.0005%); highest among the groups gnomAD compares: African/African-American, 0.008%; no homozygotes.

Submission:

Ambry Genetics
Classification: Uncertain significance for Cardiovascular phenotype. Last evaluated: 2023-11-29. Review status: criteria provided, single submitter. Criteria: Ambry Variant Classification Scheme 2023. Collection method: clinical testing. Allele origin: germline.
Comment: The p.G105D variant (also known as c.314G>A), located in coding exon 4 of the TXNRD2 gene, results from a G to A substitution at nucleotide position 314. The glycine at codon 105 is replaced by aspartic acid, an amino acid with similar properties. This amino acid position is not well conserved in available vertebrate species. In addition, this alteration is predicted to be tolerated by in silico analysis. Since supporting evidence is limited at this time, the clinical significance of this alteration remains unclear.

NM_006440.5(TXNRD2):c.314G>A (p.Gly105Asp)

Gene: TXNRD2 (thioredoxin reductase 2; minus strand). Cytogenetic location: 22q11.21.
Variant type: single nucleotide variant.
Coding change: c.314G>A on transcript NM_006440.5 (MANE Select); coding-DNA position 314, G replaced by A.
Protein change: p.Gly105Asp; replaces glycine 105 with aspartic acid.
Molecular consequence: missense variant. On other transcripts: non-coding transcript variant (1).
Genome position (GRCh38, 1-based): chr22:19,918,920, C>T on the plus strand (G>A on the coding strand, the complement: TXNRD2 is on the minus strand). VCF-style: chr22-19918920-C-T. GRCh37 (hg19) VCF-style: chr22-19906443-C-T.
Other names: c.314G>A, p.Gly105Asp (NM_001282512.3); c.311G>A, p.Gly104Asp (NM_001352300.2); c.224G>A, p.Gly75Asp (NM_001352301.2); c.26G>A, p.Gly9Asp (NM_001352302.2); c.218G>A, p.Gly73Asp (NM_001352303.2); short protein forms G73D, G9D, G104D, G105D, G75D.
Identifiers: ClinVar variation 1728173 (VCV001728173.2), dbSNP rs201123742, ClinGen allele CA10104263.
Genomic context (GRCh38, chr22:19,918,920, plus strand): 5'-CAGTCATGCGGCACGGGCTGGGCCACCTCCCAGCCATAGTTGGGGGCATCTTGGATCAGG[C>T]CTCCCAGCAGTGCCGCCTGGTGCATCAGCTTCTTGGGGATGCAGCCCACGTTGACGCAGG-3'
Protein context (NP_006431.2, residues 95-115): KLMHQAALLG[Gly105Asp]LIQDAPNYGW